The following is an entry in ClinVar:

ClinVar aggregate classification (germline): Conflicting classifications of pathogenicity. Review status: criteria provided, conflicting classifications (1 of 4 stars). 4 submissions from 4 submitters: Likely pathogenic (2); Uncertain significance (1). 1 of the submissions does not count toward it. Last evaluated 2026-07-09.

Conditions:
Nemaline myopathy. Also called: Myopathies, Nemaline. Identifiers: Orphanet 607, MedGen C0206157, MONDO:0018958.
Nemaline myopathy 2 (NEM2). Also called: Nemaline myopathy 2, autosomal recessive. Identifiers: MedGen C1850569, MONDO:0009725, OMIM 256030.

Allele frequency attached by ClinVar (database versions not stated): gnomAD 0.00001; gnomAD exomes 0.00001.
gnomAD v4.1: 12 of 1,611,982 alleles (0.00074%); highest among the groups gnomAD compares: Non-Finnish European, 0.001%; no homozygotes.

Submissions (4):

Myriad Genetics, Inc.
Classification: Uncertain significance for Nemaline myopathy 2. Last evaluated: 2026-07-09. Review status: criteria provided, single submitter. Criteria: Myriad Autosomal Dominant, Autosomal Recessive and X-Linked Classification Criteria (2023). Collection method: clinical testing. Allele origin: unknown.
Comment: NM_001271208.1(NEB):c.20787+2T>C is a variant in a canonical splice site classified as a variant of uncertain significance in the context of NEB-related nemaline myopathy. c.20787+2T>C has not been observed in cases with relevant disease. Relevant functional assessments of this variant are not available in the literature. c.20787+2T>C has not been observed in referenced population frequency databases. In summary, there is insufficient evidence to classify NM_001271208.1(NEB):c.20787+2T>C as pathogenic or benign. Please note: this variant was assessed in the context of healthy population screening.

Women's Health and Genetics/Laboratory Corporation of America, LabCorp
Classification: Likely pathogenic for Nemaline myopathy. Last evaluated: 2026-03-02. Review status: criteria provided, single submitter. Criteria: LabCorp Variant Classification Summary - May 2015. Collection method: clinical testing. Allele origin: germline.
Comment: Variant summary: NEB c.20787+2T>C is located in a canonical splice-site and is predicted to affect mRNA splicing resulting in a significantly altered protein due to either exon skipping, shortening, or inclusion of intronic material. Variants that disrupt the consensus splice site are a relatively common cause of aberrant splicing and loss of NEB function. Several computational tools predict a significant impact on normal splicing: Three predict the variant abolishes a 5 splicing donor site. However, these predictions have yet to be confirmed by functional studies. The variant allele was found at a frequency of 3.2e-05 in 31400 control chromosomes. To our knowledge, no occurrence of c.20787+2T>C in individuals affected with NEB-related conditions and no experimental evidence demonstrating its impact on protein function have been reported. ClinVar contains an entry for this variant (Variation ID: 557313). Based on the evidence outlined above, the variant was classified as likely pathogenic.

Labcorp Genetics (formerly Invitae), Labcorp
Classification: Likely pathogenic for Nemaline myopathy 2. Last evaluated: 2023-01-20. Review status: criteria provided, single submitter. Criteria: Invitae Variant Classification Sherloc (09022015). Collection method: clinical testing. Allele origin: germline.
Comment: ClinVar contains an entry for this variant (Variation ID: 557313). This variant has not been reported in the literature in individuals affected with NEB-related conditions. This variant is present in population databases (no rsID available, gnomAD 0.007%). This sequence change affects a donor splice site in intron 137 of the NEB gene. It is expected to disrupt RNA splicing. Variants that disrupt the donor or acceptor splice site typically lead to a loss of protein function (PMID: 16199547), and loss-of-function variants in NEB are known to be pathogenic (PMID: 25205138). Algorithms developed to predict the effect of sequence changes on RNA splicing suggest that this variant may disrupt the consensus splice site. In summary, the currently available evidence indicates that the variant is pathogenic, but additional data are needed to prove that conclusively. Therefore, this variant has been classified as Likely Pathogenic.

Counsyl
Classification: Likely pathogenic for Nemaline myopathy 2. Last evaluated: 2018-03-16. Review status: no assertion criteria provided. Collection method: clinical testing. Allele origin: unknown. Not counted in ClinVar's aggregate classification.

Literature cited by the submitters: PubMed 16199547 (cited by Labcorp Genetics (formerly Invitae), Labcorp); PubMed 25205138 (cited by Labcorp Genetics (formerly Invitae), Labcorp).

NM_001164508.2(NEB):c.20787+2T>C

Gene: NEB (nebulin; minus strand). Cytogenetic location: 2q23.3.
Variant type: single nucleotide variant.
Coding change: c.20787+2T>C on transcript NM_001164508.2 (MANE Select); the canonical splice donor site of the intron after coding-DNA position 20787, T replaced by C.
Molecular consequence: splice donor variant.
Genome position (GRCh38, 1-based): chr2:151,540,695, A>G on the plus strand (T>C on the coding strand, the complement: NEB is on the minus strand). VCF-style: chr2-151540695-A-G. GRCh37 (hg19) VCF-style: chr2-152397209-A-G.
Other names: c.15684+2T>C (NM_004543.5); c.20787+2T>C (NM_001164507.2, NM_001271208.2).
Identifiers: ClinVar variation 557313 (VCV000557313.13), dbSNP rs1337287633, ClinGen allele CA348777397.
Genomic context (GRCh38, chr2:151,540,695, plus strand): 5'-GAAGGTTTTAACAAAGTATTTTTCTTTTTACCCAGTGCCTCAGTGCTGAATTCCCATCTT[A>G]CCTCACTGACCATGTCCTTCACGTCTTTAGCATGCTTCAAGGCTGTGGTCTGGTTTCCAG-3'